The following is an entry in ClinVar:

ClinVar aggregate classification (germline): Uncertain significance (1 of 4 stars; one submission).

Conditions:
Charcot-Marie-Tooth disease type 4. Also called: Charcot-Marie-Tooth disease, type IV; Charcot-Marie-Tooth, Type 4. Identifiers: Orphanet 64749, MedGen C4082197, MONDO:0018995.

Allele frequency attached by ClinVar (database versions not stated): gnomAD exomes below 0.00001.
gnomAD v4.1: 2 of 1,613,942 alleles (0.00012%); highest among the groups gnomAD compares: South Asian, 0.0011%; no homozygotes.

Submission:

Labcorp Genetics (formerly Invitae), Labcorp
Classification: Uncertain significance for Charcot-Marie-Tooth disease type 4. Last evaluated: 2022-08-06. Review status: criteria provided, single submitter. Criteria: Invitae Variant Classification Sherloc (09022015). Collection method: clinical testing. Allele origin: germline.
Comment: This variant has not been reported in the literature in individuals affected with SBF2-related conditions. In summary, the available evidence is currently insufficient to determine the role of this variant in disease. Therefore, it has been classified as a Variant of Uncertain Significance. Algorithms developed to predict the effect of missense changes on protein structure and function are either unavailable or do not agree on the potential impact of this missense change (SIFT: "Tolerated"; PolyPhen-2: "Possibly Damaging"; Align-GVGD: "Class C0"). ClinVar contains an entry for this variant (Variation ID: 476920). This variant is not present in population databases (gnomAD no frequency). This sequence change replaces histidine, which is basic and polar, with arginine, which is basic and polar, at codon 932 of the SBF2 protein (p.His932Arg).

NM_030962.4(SBF2):c.2795A>G (p.His932Arg)

Genes: SBF2 (SET binding factor 2; minus strand), LOC101928008 (uncharacterized LOC101928008; plus strand). Cytogenetic location: 11p15.4.
Variant type: single nucleotide variant.
Coding change: c.2795A>G on transcript NM_030962.4 (MANE Select); coding-DNA position 2795, A replaced by G.
Protein change: p.His932Arg; replaces histidine 932 with arginine.
Molecular consequence: missense variant.
Genome position (GRCh38, 1-based): chr11:9,850,034, T>C on the plus strand (A>G on the coding strand, the complement: SBF2 is on the minus strand). VCF-style: chr11-9850034-T-C. GRCh37 (hg19) VCF-style: chr11-9871581-T-C.
Other names: c.2795A>G, p.His932Arg (NM_001386339.1); c.2666A>G, p.His889Arg (NM_001386342.1); short protein forms H932R, H889R.
Identifiers: ClinVar variation 476920 (VCV000476920.5), dbSNP rs1554924467, ClinGen allele CA379635376.